The following is an entry in ClinVar:

NM_000090.4(COL3A1):c.305A>T (p.Gln102Leu)

Gene: COL3A1 (collagen type III alpha 1 chain; plus strand). Cytogenetic location: 2q32.2.
Variant type: single nucleotide variant.
Coding change: c.305A>T on transcript NM_000090.4 (MANE Select); coding-DNA position 305, A replaced by T.
Protein change: p.Gln102Leu; replaces glutamine 102 with leucine.
Molecular consequence: missense variant.
Genome position (GRCh38, 1-based): chr2:188,985,219, A>T. VCF-style: chr2-188985219-A-T. GRCh37 (hg19) VCF-style: chr2-189849945-A-T.
Other names: short protein forms Q102L.
Identifiers: ClinVar variation 922230 (VCV000922230.5), dbSNP rs748033086, ClinGen allele CA075828.
Genomic context (GRCh38, chr2:188,985,219, plus strand): 5'-CTGTGTCTTGTTTAACTTGTTTCTTTTCCATTTATTAGCCTACTCGCCCTCCTAATGGTC[A>T]AGGACCTCAAGGCCCCAAGGGAGATCCAGTAAGTAAACATTCTTCAGTAGAATAAAATTA-3'
Protein context (NP_000081.2, residues 92-112): PTAPTRPPNG[Gln102Leu]GPQGPKGDPG

ClinVar aggregate classification (germline): Uncertain significance (1 of 4 stars; one submission).

Conditions:
Familial thoracic aortic aneurysm and aortic dissection (TAAD). Also called: Thoracic aortic aneurysms and dissections. Identifiers: Orphanet 91387, MedGen C4707243, MONDO:0019625.

gnomAD v4.1: 2 of 1,612,372 alleles (0.00012%); highest among the groups gnomAD compares: East Asian, 0.0045%; no homozygotes.

Submission:

Color Diagnostics, LLC DBA Color Health
Classification: Uncertain significance for Familial thoracic aortic aneurysm and aortic dissection. Last evaluated: 2023-12-05. Review status: criteria provided, single submitter. Criteria: ACMG Guidelines, 2015. Collection method: clinical testing. Allele origin: germline.
Comment: This missense variant replaces glutamine with leucine at codon 102 of the COL3A1 protein. Computational prediction tools and conservation analyses suggest that this variant may not impact the protein function. Computational splicing tools suggest that this variant may impact RNA splicing by activating a cryptic splice site. To our knowledge, functional assays have not been performed for this variant nor has this variant been reported in individuals affected with cardiovascular disorders in the literature. This variant has been identified in 1/250770 chromosomes in the general population by the Genome Aggregation Database (gnomAD). Available evidence is insufficient to determine the role of this variant in disease conclusively. Therefore, this variant is classified as a Variant of Uncertain Significance.